The following is an entry in ClinVar:

ClinVar aggregate classification (germline): Uncertain significance (1 of 4 stars; one submission).

Submission:

GeneDx
Classification: Uncertain significance. Last evaluated: 2025-07-03. Review status: criteria provided, single submitter. Criteria: GeneDx Variant Classification Process June 2021. Collection method: clinical testing. Allele origin: germline. Affected: yes.
Comment: Not observed at significant frequency in large population cohorts (gnomAD); In silico analysis supports that this missense variant has a deleterious effect on protein structure/function; Has not been previously published as pathogenic or benign to our knowledge; This variant is associated with the following publications: (PMID: 28933735)

NM_001754.5(RUNX1):c.388G>T (p.Val130Phe)

Genes: RUNX1 (RUNX family transcription factor 1; minus strand), RUNX1-AS1 (RUNX1 antisense RNA 1; plus strand). Cytogenetic location: 21q22.12.
Variant type: single nucleotide variant.
Coding change: c.388G>T on transcript NM_001754.5 (MANE Select); coding-DNA position 388, G replaced by T.
Protein change: p.Val130Phe; replaces valine 130 with phenylalanine.
Molecular consequence: missense variant.
Genome position (GRCh38, 1-based): chr21:34,880,677, C>A on the plus strand (G>T on the coding strand, the complement: RUNX1 is on the minus strand). VCF-style: chr21-34880677-C-A. GRCh37 (hg19) VCF-style: chr21-36252974-C-A.
Other names: c.307G>T, p.Val103Phe (NM_001001890.3, NM_001122607.2); short protein forms V103F, V130F.
Identifiers: ClinVar variation 4681163 (VCV004681163.1).